The following is an entry in ClinVar:

ClinVar aggregate classification (germline): Uncertain significance (1 of 4 stars; one submission).

Submission:

GeneDx
Classification: Uncertain significance. Last evaluated: 2024-09-09. Review status: criteria provided, single submitter. Criteria: GeneDx Variant Classification Process June 2021. Collection method: clinical testing. Allele origin: germline. Affected: yes.
Comment: Not observed at significant frequency in large population cohorts (gnomAD); In silico analysis indicates that this missense variant does not alter protein structure/function; Has not been previously published as pathogenic or benign to our knowledge

NM_001368397.1(FRMPD4):c.2031G>C (p.Glu677Asp)

Gene: FRMPD4 (FERM and PDZ domain containing 4; plus strand). Cytogenetic location: Xp22.2.
Variant type: single nucleotide variant.
Coding change: c.2031G>C on transcript NM_001368397.1 (MANE Select); coding-DNA position 2031, G replaced by C.
Protein change: p.Glu677Asp; replaces glutamic acid 677 with aspartic acid.
Molecular consequence: missense variant.
Genome position (GRCh38, 1-based): chrX:12,716,490, G>C. VCF-style: chrX-12716490-G-C. GRCh37 (hg19) VCF-style: chrX-12734609-G-C.
Other names: c.2142G>C, p.Glu714Asp (NM_001368395.3, NM_001368398.3); c.2037G>C, p.Glu679Asp (NM_001368396.3); c.2022G>C, p.Glu674Asp (NM_001368399.3); c.1911G>C, p.Glu637Asp (NM_001368400.3); c.2007G>C, p.Glu669Asp (NM_001368401.1, NM_001368402.3); c.2031G>C, p.Glu677Asp (NM_014728.3); short protein forms E637D, E669D, E674D, E677D, E679D, E714D.
Identifiers: ClinVar variation 3767794 (VCV003767794.1).